The following is an entry in ClinVar:

NM_005428.4(VAV1):c.655-5C>G

Gene: VAV1 (vav guanine nucleotide exchange factor 1; plus strand). Cytogenetic location: 19p13.3.
Variant type: single nucleotide variant.
Coding change: c.655-5C>G on transcript NM_005428.4 (MANE Select); 5 bases into the intron before coding-DNA position 655, C replaced by G.
Molecular consequence: intron variant.
Genome position (GRCh38, 1-based): chr19:6,825,048, C>G. VCF-style: chr19-6825048-C-G. GRCh37 (hg19) VCF-style: chr19-6825059-C-G.
Other names: c.655-5C>G (NM_001258206.2); c.559-5C>G (NM_001258207.2).
Identifiers: ClinVar variation 2571027 (VCV002571027.30), dbSNP rs370736596, ClinGen allele CA9132302.

ClinVar aggregate classification (germline): Likely benign. Review status: criteria provided, multiple submitters, no conflicts (2 of 4 stars). 2 submissions from 2 submitters: Likely benign (2). Last evaluated 2023-05-20.

gnomAD v4.1: 11 of 1,613,932 alleles (0.00068%); highest among the groups gnomAD compares: Non-Finnish European, 0.00093%; no homozygotes.

Submissions (2):

Labcorp Genetics (formerly Invitae), Labcorp
Classification: Likely benign. Last evaluated: 2023-05-20. Review status: criteria provided, single submitter. Criteria: Invitae Variant Classification Sherloc (09022015). Collection method: clinical testing. Allele origin: germline.

CeGaT Center for Human Genetics Tuebingen
Classification: Likely benign. Last evaluated: 2023-04-01. Review status: criteria provided, single submitter. Criteria: CeGaT Center For Human Genetics Tuebingen Variant Classification Criteria Version 2. Collection method: clinical testing. Allele origin: germline. Affected: yes. Observed: 1 variant allele.
Comment: VAV1: BP4